The following is an entry in ClinVar:

ClinVar aggregate classification (germline): Pathogenic (1 of 4 stars; one submission).

Submission:

GeneDx
Classification: Pathogenic. Last evaluated: 2014-12-26. Review status: criteria provided, single submitter. Criteria: GeneDx Variant Classification (06012015). Collection method: clinical testing. Allele origin: germline. Affected: yes.
Comment: c.3268dupA: p.Ser1090LysfsX4 (S1090KfsX4) in exon 16 of the SCN1A gene (NM_001165963.1). The normal sequence with the duplicated base in braces is: TGGC{A}GCAG.The c.3268dupA mutation in the SCN1A gene causes a frameshift starting with codon Serine 1090, changes this amino acid to a Lysine residue and creates a premature Stop codon at position 4 of the new reading frame, denoted p.Ser1090LysfsX4. This mutation is predicted to cause loss of normal protein function either through protein truncation or nonsense-mediated mRNA decay. It was not observed in approximately 6,500 individuals of European and African American ancestry in the NHLBI Exome Sequencing Project, indicating it is not a common benign variant in these populations. Although this mutation has not been previously reported to our knowledge, its presence is consistent with a diagnosis of an SCN1A-related disorder. The variant is found in EPILEPSY panel(s).

NM_001165963.4(SCN1A):c.3268dup (p.Ser1090fs)

Genes: SCN1A (sodium voltage-gated channel alpha subunit 1; minus strand), LOC102724058 (uncharacterized LOC102724058; plus strand). Cytogenetic location: 2q24.3.
Variant type: Duplication.
Coding change: c.3268dup on transcript NM_001165963.4 (MANE Select); coding-DNA position 3268, one base duplicated (A; older notation c.3268dupA).
Protein change: p.Ser1090fs; shifts the reading frame from serine 1090.
Molecular consequence: frameshift variant. On other transcripts: non-coding transcript variant (2).
Genome position (GRCh38, 1-based): chr2:166,036,209, T duplicated on the plus strand (A on the coding strand, the reverse complement: SCN1A is on the minus strand). VCF-style (leftmost placement, unchanged base first): chr2-166036208-C-CT. GRCh37 (hg19) VCF-style: chr2-166892718-C-CT.
Other names: c.3184dup, p.Ser1062fs (NM_001165964.3, NM_001353957.2, NM_001353958.2); c.3268dup, p.Ser1090fs (NM_001202435.3, NM_001353948.2); c.3235dup, p.Ser1079fs (NM_001353949.2, NM_001353950.2, NM_001353951.2 and 2 more transcripts); c.3232dup, p.Ser1078fs (NM_001353954.2, NM_001353955.2); c.3181dup, p.Ser1061fs (NM_001353960.2); c.826dup, p.Ser276fs (NM_001353961.2); short protein forms S1061fs, S1062fs, S276fs, S1078fs, S1079fs, S1090fs.
Identifiers: ClinVar variation 206908 (VCV000206908.1), dbSNP rs796053070, ClinGen allele CA317726.